The following is an entry in ClinVar:

ClinVar aggregate classification (germline): Likely benign. Review status: criteria provided, multiple submitters, no conflicts (2 of 4 stars). 3 submissions from 3 submitters: Likely benign (2). 1 of the submissions does not count toward it. Last evaluated 2024-10-28.

Conditions:
ARHGEF9-related disorder. Also called: ARHGEF9-related condition.

Allele frequency attached by ClinVar (database versions not stated): ESP Exome Variant Server 0.00019; gnomAD 0.00027; gnomAD exomes 0.00030 and 0.00041; 1000 Genomes Project 30x 0.00042; 1000 Genomes Project 0.00053; TOPMed 0.00053; ExAC 0.00061.
gnomAD v4.1: 352 of 1,203,372 alleles (0.029%); highest among the groups gnomAD compares: Admixed American, 0.098%; no homozygotes.

Submissions (3):

Blueprint Genetics
Classification: Likely benign. Last evaluated: 2024-10-28. Review status: criteria provided, single submitter. Criteria: ACMG Guidelines, 2015. Collection method: clinical testing. Allele origin: germline.

GeneDx
Classification: Likely benign. Last evaluated: 2016-01-26. Review status: criteria provided, single submitter. Criteria: GeneDx Variant Classification (06012015). Collection method: clinical testing. Allele origin: germline. Affected: yes.
Comment: This variant is considered likely benign or benign based on one or more of the following criteria: it is a conservative change, it occurs at a poorly conserved position in the protein, it is predicted to be benign by multiple in silico algorithms, and/or has population frequency not consistent with disease.

PreventionGenetics, part of Exact Sciences
Classification: Likely benign for ARHGEF9-related condition. Last evaluated: 2019-07-23. Review status: no assertion criteria provided. Collection method: clinical testing. Allele origin: germline. Not counted in ClinVar's aggregate classification.
Comment: This variant is classified as likely benign based on ACMG/AMP sequence variant interpretation guidelines (Richards et al. 2015 PMID: 25741868, with internal and published modifications).

NM_001353921.2(ARHGEF9):c.*7C>G

Gene: ARHGEF9 (Cdc42 guanine nucleotide exchange factor 9; minus strand). Cytogenetic location: Xq11.1.
Variant type: single nucleotide variant.
Coding change: c.*7C>G on transcript NM_001353921.2 (MANE Select); 7 bases downstream of the stop codon, C replaced by G.
Molecular consequence: 3 prime UTR variant.
Genome position (GRCh38, 1-based): chrX:63,638,021, G>C on the plus strand (C>G on the coding strand, the complement: ARHGEF9 is on the minus strand). VCF-style: chrX-63638021-G-C. GRCh37 (hg19) VCF-style: chrX-62857901-G-C.
Other names: c.*7C>G (NM_001173479.2, NM_001173480.2, NM_001330495.2 and 21 more transcripts); c.*216C>G (NM_001369043.1, NM_001369044.1).
Identifiers: ClinVar variation 383126 (VCV000383126.4), dbSNP rs202232026, ClinGen allele CA10431785.